The following is an entry in ClinVar:

ClinVar aggregate classification (germline): Likely pathogenic (1 of 4 stars; one submission).

Conditions:
Visceral myopathy 1 (VSCM1). Also called: Visceral myopathy; ACTG2 Visceral Myopathy; Infantile visceral myopathy. Identifiers: Orphanet 2604, MedGen C5542197, MONDO:0020754, OMIM 155310.

Submission:

Rady Children's Institute for Genomic Medicine, Rady Children's Hospital San Diego
Classification: Likely pathogenic for Visceral myopathy 1. Last evaluated: 2019-10-30. Review status: criteria provided, single submitter. Criteria: ACMG CNV Guidelines, 2011. Collection method: clinical testing. Allele origin: germline. Inheritance: Autosomal recessive inheritance. Affected: yes. Observed: 1 homozygote.
Comment: The deletion includes part of exon 6 out of 9 of the ACTG2 gene. Pathgenic alterations in ACTG2, which encodes gamma 2 enteric actin, are associated with autosomal dominant Visceral myopathy (OMIM: #155310).

NM_001615.4(ACTG2):c.589_613+163del

Gene: ACTG2 (actin gamma 2, smooth muscle; plus strand). Cytogenetic location: 2p13.1.
Variant type: Deletion.
Coding change: c.589_613+163del on transcript NM_001615.4 (MANE Select); coding-DNA position 589 through 163 bases into the intron after coding-DNA position 613, 188 bases deleted.
Molecular consequence: splice donor variant.
Genome position (GRCh38, 1-based): chr2:73,913,622-73,913,809, 188 bases deleted. GRCh37 (hg19): chr2:74,140,749-74,140,936.
Other names: c.460_484+163del (NM_001199893.2).
Identifiers: ClinVar variation 872896 (VCV000872896.2), dbSNP rs1680192455, ClinGen allele CA1139657116.